The following is an entry in ClinVar:

ClinVar aggregate classification (germline): Uncertain significance (1 of 4 stars; one submission).

Allele frequency attached by ClinVar (database versions not stated): ExAC 0.00001; gnomAD exomes 0.00001; TOPMed 0.00001.
gnomAD v4.1: 6 of 1,614,054 alleles (0.00037%); highest among the groups gnomAD compares: Admixed American, 0.0033%; no homozygotes.

Submission:

Labcorp Genetics (formerly Invitae), Labcorp
Classification: Uncertain significance. Last evaluated: 2021-04-06. Review status: criteria provided, single submitter. Criteria: Invitae Variant Classification Sherloc (09022015). Collection method: clinical testing. Allele origin: germline.
Comment: In summary, the available evidence is currently insufficient to determine the role of this variant in disease. Therefore, it has been classified as a Variant of Uncertain Significance. Algorithms developed to predict the effect of missense changes on protein structure and function output the following: SIFT: "Tolerated"; PolyPhen-2: "Benign"; Align-GVGD: "Class C0". The valine amino acid residue is found in multiple mammalian species, suggesting that this missense change does not adversely affect protein function. These predictions have not been confirmed by published functional studies and their clinical significance is uncertain. This variant has not been reported in the literature in individuals with NCSTN-related conditions. This variant is present in population databases (rs760609038, ExAC 0.009%). This sequence change replaces isoleucine with valine at codon 685 of the NCSTN protein (p.Ile685Val). The isoleucine residue is moderately conserved and there is a small physicochemical difference between isoleucine and valine.

NM_015331.3(NCSTN):c.2053A>G (p.Ile685Val)

Gene: NCSTN (nicastrin; plus strand). Cytogenetic location: 1q23.2.
Variant type: single nucleotide variant.
Coding change: c.2053A>G on transcript NM_015331.3 (MANE Select); coding-DNA position 2053, A replaced by G.
Protein change: p.Ile685Val; replaces isoleucine 685 with valine.
Molecular consequence: missense variant.
Genome position (GRCh38, 1-based): chr1:160,358,194, A>G. VCF-style: chr1-160358194-A-G. GRCh37 (hg19) VCF-style: chr1-160327984-A-G.
Other names: c.1993A>G, p.Ile665Val (NM_001290184.2); c.1639A>G, p.Ile547Val (NM_001290186.2); c.1840A>G, p.Ile614Val (NM_001349729.2); short protein forms I547V, I665V, I685V, I614V.
Identifiers: ClinVar variation 1441641 (VCV001441641.8), dbSNP rs760609038, ClinGen allele CA1199169.